The following is an entry in ClinVar:

NM_018975.4(TERF2IP):c.1136A>C (p.Glu379Ala)

Gene: TERF2IP (TERF2 interacting protein; plus strand). Cytogenetic location: 16q23.1.
Variant type: single nucleotide variant.
Coding change: c.1136A>C on transcript NM_018975.4 (MANE Select); coding-DNA position 1136, A replaced by C.
Protein change: p.Glu379Ala; replaces glutamic acid 379 with alanine.
Molecular consequence: missense variant. On other transcripts: non-coding transcript variant (1).
Genome position (GRCh38, 1-based): chr16:75,656,547, A>C. VCF-style: chr16-75656547-A-C. GRCh37 (hg19) VCF-style: chr16-75690445-A-C.
Other names: short protein forms E379A.
Identifiers: ClinVar variation 2623102 (VCV002623102.2), dbSNP rs1054481710, ClinGen allele CA284340289.

ClinVar aggregate classification (germline): Uncertain significance (1 of 4 stars; one submission).

Allele frequency attached by ClinVar (database versions not stated): gnomAD exomes below 0.00001; gnomAD 0.00001; TOPMed 0.00002.
gnomAD v4.1: 3 of 1,613,674 alleles (0.00019%); highest among the groups gnomAD compares: Non-Finnish European, 0.00025%; no homozygotes.

Submission:

Ambry Genetics
Classification: Uncertain significance. Last evaluated: 2023-08-11. Review status: criteria provided, single submitter. Criteria: Ambry Variant Classification Scheme 2023. Collection method: clinical testing. Allele origin: germline.
Comment: The p.E379A variant (also known as c.1136A>C), located in coding exon 3 of the TERF2IP gene, results from an A to C substitution at nucleotide position 1136. The glutamic acid at codon 379 is replaced by alanine, an amino acid with dissimilar properties. This amino acid position is conserved. In addition, this alteration is predicted to be tolerated by in silico analysis. Since supporting evidence is limited at this time, the clinical significance of this alteration remains unclear.